The following is an entry in ClinVar:

ClinVar aggregate classification (germline): Uncertain significance (1 of 4 stars; one submission).

Conditions:
Multiple acyl-CoA dehydrogenase deficiency (MADD). Also called: ETHYLMALONIC-ADIPICACIDURIA; GA II; Glutaric Acidemia type 2; Glutaric aciduria, type 2; Glutaric acidemia type II; GA 2. Identifiers: Orphanet 26791, MedGen C0268596, MONDO:0009282, OMIM 231680.

Submission:

Labcorp Genetics (formerly Invitae), Labcorp
Classification: Uncertain significance for Multiple acyl-CoA dehydrogenase deficiency. Last evaluated: 2021-09-06. Review status: criteria provided, single submitter. Criteria: Invitae Variant Classification Sherloc (09022015). Collection method: clinical testing. Allele origin: germline.
Comment: A copy number gain of the genomic region encompassing the full coding sequence of the ETFDH gene has been identified. The boundaries of this event are unknown as they extend beyond the assayed region for this gene and therefore may encompass additional genes. As the precise location of this event is unknown, it may be in tandem or it may be located elsewhere in the genome. This variant has not been reported in the literature in individuals affected with ETFDH-related conditions. In summary, the available evidence is currently insufficient to determine the role of this variant in disease. Therefore, it has been classified as a Variant of Uncertain Significance.

NC_000004.11:g.(?_159593609)_(159629679_?)dup

Gene: ETFDH (electron transfer flavoprotein dehydrogenase; plus strand). Cytogenetic location: 4q32.1.
Variant type: Duplication.
Identifiers: ClinVar variation 1374859 (VCV001374859.4).